The following is an entry in ClinVar:

ClinVar aggregate classification (germline): Uncertain significance. Review status: criteria provided, multiple submitters, no conflicts (2 of 4 stars). 3 submissions from 3 submitters: Uncertain significance (3). Last evaluated 2024-12-12.

Conditions:
Arrhythmogenic right ventricular cardiomyopathy (ARVD). Also called: Cardiomyopathy, ARVC; Arrhythmogenic right ventricular dysplasia; Arrhythmogenic cardiomyopathy; Arrhythmogenic Right Ventricular Cardiomyopathy (ARVC). Identifiers: Orphanet 247, MedGen C0349788, MeSH D019571, MONDO:0016587. Disease mechanism: loss of function. Inheritance: Various modes of inheritance.
Arrhythmogenic right ventricular dysplasia 10. Also called: Arrhythmogenic Right Ventricular Dysplasia/Cardiomyopathy10; ARRHYTHMOGENIC RIGHT VENTRICULAR DYSPLASIA, FAMILIAL, 10; Arrhythmogenic right ventricular dysplasia/cardiomyopathy, type 10. Identifiers: MedGen C1857777, MONDO:0012434, OMIM 610193.

Allele frequency attached by ClinVar (database versions not stated): gnomAD exomes below 0.00001 and 0.00001; ExAC 0.00001.
gnomAD v4.1: 8 of 1,613,010 alleles (0.0005%); highest among the groups gnomAD compares: Non-Finnish European, 0.00059%; no homozygotes.

Submissions (3):

Labcorp Genetics (formerly Invitae), Labcorp
Classification: Uncertain significance for Arrhythmogenic right ventricular dysplasia 10. Last evaluated: 2024-12-12. Review status: criteria provided, single submitter. Criteria: Invitae Variant Classification Sherloc (09022015). Collection method: clinical testing. Allele origin: germline.
Comment: This sequence change replaces threonine, which is neutral and polar, with isoleucine, which is neutral and non-polar, at codon 942 of the DSG2 protein (p.Thr942Ile). This variant is present in population databases (rs771429752, gnomAD 0.0009%). This missense change has been observed in individual(s) with DSG2-related conditions (PMID: 33652588). ClinVar contains an entry for this variant (Variation ID: 860704). Invitae Evidence Modeling of protein sequence and biophysical properties (such as structural, functional, and spatial information, amino acid conservation, physicochemical variation, residue mobility, and thermodynamic stability) has been performed for this missense variant. However, the output from this modeling did not meet the statistical confidence thresholds required to predict the impact of this variant on DSG2 protein function. In summary, the available evidence is currently insufficient to determine the role of this variant in disease. Therefore, it has been classified as a Variant of Uncertain Significance.

GeneDx
Classification: Uncertain significance. Last evaluated: 2024-10-03. Review status: criteria provided, single submitter. Criteria: GeneDx Variant Classification Process June 2021. Collection method: clinical testing. Allele origin: germline. Affected: yes.
Comment: Not observed at significant frequency in large population cohorts (gnomAD); In silico analysis supports that this missense variant has a deleterious effect on protein structure/function; Has not been previously published as pathogenic or benign to our knowledge

All of Us Research Program, National Institutes of Health
Classification: Uncertain significance for Arrhythmogenic right ventricular cardiomyopathy. Last evaluated: 2023-08-08. Review status: criteria provided, single submitter. Criteria: ACMG Guidelines, 2015. Collection method: clinical testing. Allele origin: germline. Inheritance: Autosomal dominant inheritance. Observed: 2 variant alleles, 2 heterozygotes.
Comment: This missense variant replaces threonine with isoleucine at codon 942 of the DSG2 protein. Computational prediction suggests that this variant may not impact protein structure and function (internally defined REVEL score threshold <= 0.5, PMID: 27666373). To our knowledge, functional studies have not been reported for this variant. This variant has been reported in an individual affected with possible arrhythmogenic cardiomyopathy (PMID: 33652588). This variant has been identified in 1/248492 chromosomes in the general population by the Genome Aggregation Database (gnomAD). The available evidence is insufficient to determine the role of this variant in disease conclusively. Therefore, this variant is classified as a Variant of Uncertain Significance.

This study involves interpretation of variants in research participants for the purpose of population health screening. Participant phenotype was not available at the time of variant classification. Additional details can be found in publication PMID: 35346344, PMCID: PMC8962531

Literature cited by the submitters: PubMed 33652588 (cited by Labcorp Genetics (formerly Invitae), Labcorp and All of Us Research Program, National Institutes of Health).

NM_001943.5(DSG2):c.2825C>T (p.Thr942Ile)

Genes: DSG2 (desmoglein 2; plus strand), DSG2-AS1 (DSG2 antisense RNA 1; minus strand). Cytogenetic location: 18q12.1.
Variant type: single nucleotide variant.
Coding change: c.2825C>T on transcript NM_001943.5 (MANE Select); coding-DNA position 2825, C replaced by T.
Protein change: p.Thr942Ile; replaces threonine 942 with isoleucine.
Molecular consequence: missense variant.
Genome position (GRCh38, 1-based): chr18:31,546,211, C>T. VCF-style: chr18-31546211-C-T. GRCh37 (hg19) VCF-style: chr18-29126174-C-T.
Other names: short protein forms T942I.
Identifiers: ClinVar variation 860704 (VCV000860704.7), dbSNP rs771429752, ClinGen allele CA047294.